The following is an entry in ClinVar:

ClinVar aggregate classification (germline): Likely pathogenic (0 of 4 stars; one submission).

Conditions:
Aneurysm-osteoarthritis syndrome. Also called: SMAD3-Related Loeys-Dietz Syndrome; LOEYS-DIETZ SYNDROME WITH OSTEOARTHRITIS; ANEURYSMS-OSTEOARTHRITIS SYNDROME; Loeys-Dietz syndrome, type 1C. Identifiers: Orphanet 284984, MedGen C3151087, MONDO:0013426, OMIM 613795.

Submission:

Institute of Human Genetics, Cologne University
Classification: Likely pathogenic for Aneurysm-osteoarthritis syndrome. Review status: no assertion criteria provided. Collection method: clinical testing. Allele origin: germline. Inheritance: Autosomal dominant inheritance. Affected: yes.
Comment: ACMG criteria PVS1 and PM2

NM_005902.4(SMAD3):c.789del (p.Ser264fs)

Gene: SMAD3 (SMAD family member 3; plus strand). Cytogenetic location: 15q22.33.
Variant type: Deletion.
Coding change: c.789del on transcript NM_005902.4 (MANE Select); coding-DNA position 789, one base deleted (C; older notation c.789delC).
Protein change: p.Ser264fs; shifts the reading frame from serine 264.
Molecular consequence: frameshift variant.
Genome position (GRCh38, 1-based): chr15:67,181,371, C deleted; the last of 4 consecutive C bases (chr15:67,181,368-67,181,371); deleting any one gives the same sequence. VCF-style (leftmost placement, unchanged base first): chr15-67181367-AC-A. GRCh37 (hg19) VCF-style: chr15-67473705-AC-A.
Other names: c.474del, p.Ser159fs (NM_001145102.2); c.657del, p.Ser220fs (NM_001145103.2); c.204del, p.Ser69fs (NM_001145104.2); c.789delC (NM_005902.4); short protein forms S159fs, S264fs, S220fs, S69fs.
Identifiers: ClinVar variation 834060 (VCV000834060.1), dbSNP rs1963050712, ClinGen allele CA916083432.